The following is an entry in ClinVar:

ClinVar aggregate classification (germline): Uncertain significance (1 of 4 stars; one submission).

Conditions:
Familial thoracic aortic aneurysm and aortic dissection (TAAD). Also called: Thoracic aortic aneurysms and dissections. Identifiers: Orphanet 91387, MedGen C4707243, MONDO:0019625.

Submission:

Ambry Genetics
Classification: Uncertain significance for Familial thoracic aortic aneurysm and aortic dissection. Last evaluated: 2025-04-24. Review status: criteria provided, single submitter. Criteria: Ambry Variant Classification Scheme 2023. Collection method: clinical testing. Allele origin: germline.
Comment: The p.C415R variant (also known as c.1243T>C), located in coding exon 7 of the TGFBR1 gene, results from a T to C substitution at nucleotide position 1243. The cysteine at codon 415 is replaced by arginine, an amino acid with highly dissimilar properties. This amino acid position is conserved. In addition, this alteration is predicted to be deleterious by in silico analysis. Based on the available evidence, the clinical significance of this variant remains unclear.

NM_004612.4(TGFBR1):c.1243T>C (p.Cys415Arg)

Gene: TGFBR1 (transforming growth factor beta receptor 1; plus strand). Cytogenetic location: 9q22.33.
Variant type: single nucleotide variant.
Coding change: c.1243T>C on transcript NM_004612.4 (MANE Select); coding-DNA position 1243, T replaced by C.
Protein change: p.Cys415Arg; replaces cysteine 415 with arginine.
Molecular consequence: missense variant. On other transcripts: non-coding transcript variant (1).
Genome position (GRCh38, 1-based): chr9:99,146,597, T>C. VCF-style: chr9-99146597-T-C. GRCh37 (hg19) VCF-style: chr9-101908879-T-C.
Other names: c.1048T>C, p.Cys350Arg (NM_001407418.1, NM_001407419.1, NM_001407420.1 and 1 more transcripts); c.1036T>C, p.Cys346Arg (NM_001407423.1, NM_001407424.1, NM_001407425.1 and 8 more transcripts); c.1012T>C, p.Cys338Arg (NM_001130916.3, NM_001407435.1); c.1255T>C, p.Cys419Arg (NM_001306210.2); c.1087T>C, p.Cys363Arg (NM_001407416.1); c.1075T>C, p.Cys359Arg (NM_001407417.1); c.997T>C, p.Cys333Arg (NM_001407436.1); c.535T>C, p.Cys179Arg (NM_001407437.1); and 1 more; short protein forms C346R, C350R, C415R, C179R, C256R, C333R, C338R, C359R.
Identifiers: ClinVar variation 3968086 (VCV003968086.1).